The following is an entry in ClinVar:

ClinVar aggregate classification (germline): Uncertain significance (1 of 4 stars; one submission).

Conditions:
Lymphatic malformation 6 (LMPHM6). Also called: GENERALIZED LYMPHATIC DYSPLASIA OF FOTIOU; Lymphedema, hereditary, III; PIEZO1-related generalized lymphatic dysplasia with non-immune hydrops fetalis. Identifiers: Orphanet 568062, MedGen C4225184, MONDO:0014797, OMIM 616843.

Submission:

Clinical Genomics Laboratory, Washington University in St. Louis
Classification: Uncertain significance for Lymphatic malformation 6. Last evaluated: 2024-12-09. Review status: criteria provided, single submitter. Criteria: ACMG Guidelines, 2015. Collection method: clinical testing. Allele origin: germline.
Comment: A PIEZO1 c.4870G>A (p.Ala1624Thr) variant was identified at a near heterozygous allelic fraction of 48.8%, a frequency which may be consistent with germline origin. This variant, to our knowledge, has not been reported in the medical literature. It is absent from the general population (gnomAD v.4.1.0), indicating it is not a common variant. Computational predictors suggest that the variant does not impact PIEZO1 function. Due to limited information, and based on ACMG/AMP guidelines for variant interpretation (Richards S et al., PMID: 25741868), the clinical significance of this variant is uncertain at this time.

NM_001142864.4(PIEZO1):c.4870G>A (p.Ala1624Thr)

Gene: PIEZO1 (piezo type mechanosensitive ion channel component 1 (Er blood group); minus strand). Cytogenetic location: 16q24.3.
Variant type: single nucleotide variant.
Coding change: c.4870G>A on transcript NM_001142864.4 (MANE Select); coding-DNA position 4870, G replaced by A.
Protein change: p.Ala1624Thr; replaces alanine 1624 with threonine.
Molecular consequence: missense variant.
Genome position (GRCh38, 1-based): chr16:88,722,303, C>T on the plus strand (G>A on the coding strand, the complement: PIEZO1 is on the minus strand). VCF-style: chr16-88722303-C-T. GRCh37 (hg19) VCF-style: chr16-88788711-C-T.
Other names: short protein forms A1624T.
Identifiers: ClinVar variation 3600482 (VCV003600482.1).